The following is an entry in ClinVar:

NM_021067.5(GINS1):c.289G>A (p.Val97Ile)

Gene: GINS1 (GINS complex subunit 1; plus strand). Cytogenetic location: 20p11.21.
Variant type: single nucleotide variant.
Coding change: c.289G>A on transcript NM_021067.5 (MANE Select); coding-DNA position 289, G replaced by A.
Protein change: p.Val97Ile; replaces valine 97 with isoleucine.
Molecular consequence: missense variant. On other transcripts: non-coding transcript variant (1).
Genome position (GRCh38, 1-based): chr20:25,418,154, G>A. VCF-style: chr20-25418154-G-A. GRCh37 (hg19) VCF-style: chr20-25398790-G-A.
Other names: p.Val97Ile; short protein forms V97I.
Identifiers: ClinVar variation 1169882 (VCV001169882.17), dbSNP rs6076347, ClinGen allele CA9796504.

ClinVar aggregate classification (germline): Benign/Likely benign. Review status: criteria provided, multiple submitters, no conflicts (2 of 4 stars). 7 submissions from 7 submitters: Benign (6); Likely benign (1). Last evaluated 2026-02-04.

Conditions:
Combined immunodeficiency due to GINS1 deficiency. Also called: IMMUNODEFICIENCY 55. Identifiers: Orphanet 505227, MedGen C5568132, MONDO:0044725, OMIM 617827.

Allele frequency attached by ClinVar (database versions not stated): 1000 Genomes Project 0.23103; 1000 Genomes Project 30x 0.23813; TOPMed 0.34020; gnomAD 0.34906 and 0.35168; ESP Exome Variant Server 0.36368; ExAC 0.37905; gnomAD exomes 0.38160 and 0.43971.
gnomAD v4.1: 687,655 of 1,598,772 alleles (43%); highest among the groups gnomAD compares: Non-Finnish European, 47%; 158,124 homozygotes.

Submissions (7):

Labcorp Genetics (formerly Invitae), Labcorp
Classification: Benign. Last evaluated: 2026-02-04. Review status: criteria provided, single submitter. Criteria: Invitae Variant Classification Sherloc (09022015). Collection method: clinical testing. Allele origin: germline.

Blueprint Genetics
Classification: Likely benign. Last evaluated: 2024-11-28. Review status: criteria provided, single submitter. Criteria: ACMG Guidelines, 2015. Collection method: clinical testing. Allele origin: germline.

Unidad de Genómica Garrahan, Hospital de Pediatría Garrahan
Classification: Benign. Last evaluated: 2024-01-24. Review status: criteria provided, single submitter. Criteria: ACMG Guidelines, 2015. Collection method: clinical testing. Allele origin: germline. Affected: no. Observed: 62 variant alleles.
Comment: This variant is classified as Benign based on local population frequency. This variant was detected in 65% of patients studied by a panel of primary immunodeficiencies. Number of patients: 62. Only high quality variants are reported.

Mayo Clinic Laboratories, Mayo Clinic
Classification: Benign. Last evaluated: 2022-09-06. Review status: criteria provided, single submitter. Criteria: ACMG Guidelines, 2015. Collection method: clinical testing. Allele origin: germline. Observed: 393 variant alleles.

Genome-Nilou Lab
Classification: Benign for Combined immunodeficiency due to GINS1 deficiency. Last evaluated: 2021-08-10. Review status: criteria provided, single submitter. Criteria: ACMG Guidelines, 2015. Collection method: clinical testing. Allele origin: germline. Affected: no.

GeneDx
Classification: Benign. Last evaluated: 2019-10-13. Review status: criteria provided, single submitter. Criteria: GeneDx Variant Classification Process June 2021. Collection method: clinical testing. Allele origin: germline. Affected: yes.

Breakthrough Genomics
Classification: Benign. Review status: criteria provided, single submitter. Criteria: ACMG Guidelines, 2015. Collection method: not provided. Allele origin: germline. Inheritance: Autosomal recessive inheritance. Affected: yes.